The following is an entry in ClinVar:

NM_170784.3(MKKS):c.-5dup

Gene: MKKS (MKKS centrosomal shuttling protein; minus strand). Cytogenetic location: 20p12.2.
Variant type: Duplication.
Coding change: c.-5dup on transcript NM_170784.3 (MANE Select); 5 bases upstream of the start codon, one base duplicated (G; older notation c.-5dupG).
Molecular consequence: 5 prime UTR variant.
Genome position (GRCh38, 1-based): chr20:10,413,519, C duplicated on the plus strand (G on the coding strand, the reverse complement: MKKS is on the minus strand). VCF-style (leftmost placement, unchanged base first): chr20-10413518-A-AC. GRCh37 (hg19) VCF-style: chr20-10394166-A-AC.
Other names: c.-5dupG (NM_018848.3); c.-5dup (NM_018848.3).
Identifiers: ClinVar variation 4982161 (VCV004982161.1).

ClinVar aggregate classification (germline): Uncertain significance (1 of 4 stars; one submission).

Conditions:
MKKS-related disorder. Also called: MKKS-related disorders; MKKS-related condition.

Submission:

PreventionGenetics, part of Exact Sciences
Classification: Uncertain significance for MKKS-related condition. Last evaluated: 2026-02-03. Review status: criteria provided, single submitter. Criteria: ACMG Guidelines, 2015. Collection method: clinical testing. Allele origin: germline.
Comment: The MKKS c.-5dupG variant is located in the 5' untranslated region. To our knowledge, this variant has not been reported in the literature or in a large population database (gnomAD), indicating this variant is rare. At this time, the clinical significance of this variant is uncertain due to the absence of conclusive functional and genetic evidence.